The following is an entry in ClinVar:

NM_000051.4(ATM):c.3078-1G>A

Gene: ATM (ATM serine/threonine kinase; plus strand). Cytogenetic location: 11q22.3.
Variant type: single nucleotide variant.
Coding change: c.3078-1G>A on transcript NM_000051.4 (MANE Select); the canonical splice acceptor site of the intron before coding-DNA position 3078, G replaced by A.
Molecular consequence: splice acceptor variant.
Genome position (GRCh38, 1-based): chr11:108,272,531, G>A. VCF-style: chr11-108272531-G-A. GRCh37 (hg19) VCF-style: chr11-108143258-G-A.
Other names: c.3078-1G>A (NM_001351834.2).
Identifiers: ClinVar variation 231277 (VCV000231277.32), dbSNP rs750663117, ClinGen allele CA6265193.

ClinVar aggregate classification (germline): Pathogenic. Review status: reviewed by expert panel (3 of 4 stars). 9 submissions from 9 submitters: Pathogenic (1). 8 of the submissions do not count toward it. Last evaluated 2024-01-25.

Conditions:
ATM-related cancer predisposition. Also called: ATM-related cancer susceptibility. Identifiers: MedGen CN377759, MONDO:0700270.
Familial cancer of breast. Also called: Hereditary breast cancer; BREAST CANCER, FAMILIAL; hereditary breast carcinoma. Identifiers: Orphanet 227535, MedGen C0346153, MONDO:0016419, OMIM 114480. Disease mechanism: loss of function.
Hereditary cancer-predisposing syndrome. Also called: Hereditary neoplastic syndrome; Neoplastic Syndromes, Hereditary; Hereditary Cancer Syndrome; Tumor predisposition. Identifiers: Orphanet 140162, MedGen C0027672, MeSH D009386, MONDO:0015356.
Ataxia-telangiectasia syndrome (AT). Also called: Ataxia telangiectasia (A-T); Cerebello-oculocutaneous telangiectasia; Immunodeficiency with ataxia telangiectasia; Ataxia-telangiectasia; Ataxia-telangiectasia, complementation group D; AT, COMPLEMENTATION GROUP C. Identifiers: Orphanet 100, MedGen C0004135, MONDO:0008840, OMIM 208900.

Allele frequency attached by ClinVar (database versions not stated): ExAC 0.00001; gnomAD exomes 0.00001.
gnomAD v4.1: 7 of 1,608,660 alleles (0.00044%); highest among the groups gnomAD compares: Non-Finnish European, 0.0006%; no homozygotes.

Submissions (9):

ClinGen Hereditary Breast, Ovarian and Pancreatic Cancer Variant Curation Expert Panel, ClinGen
Classification: Pathogenic for ATM-related cancer predisposition. Last evaluated: 2024-01-25. Review status: reviewed by expert panel. Criteria: ClinGen HBOP ACMG Specifications ATM V1.2.0. Collection method: curation. Allele origin: germline. Inheritance: Autosomal dominant inheritance.
Comment: The c.3078-1G>A variant in ATM occurs within the canonical splice donor/acceptor site (+/- 1,2) of intron 20. It is predicted to cause skipping of a biologically-relevant-exon, resulting in a frameshift leading to nonsense mediated decay in a gene in which loss-of-function is an established disease mechanism. The highest population minor allele frequency in gnomAD v2.1.1 is (0. 0.0018%) (2/113536 alleles) in the European (non-Finnish) population. (PM2_Supporting, BS1, and BA1 are not met). This variant has been detected in at least 1 individual with Ataxia-Telangiectasia (PMID: 10234507). In summary, this variant meets criteria to be classified as pathogenic for autosomal dominant hereditary breast cancer and autosomal recessive Ataxia-Telangiectasia based on the ACMG/AMP criteria applied, as specified by the HBOP VCEP (PVS1, PM3_Strong).

Labcorp Genetics (formerly Invitae), Labcorp
Classification: Pathogenic for Ataxia-telangiectasia syndrome. Last evaluated: 2025-11-05. Review status: criteria provided, single submitter. Criteria: Invitae Variant Classification Sherloc (09022015). Collection method: clinical testing. Allele origin: germline. Not counted in ClinVar's aggregate classification.
Comment: This sequence change affects an acceptor splice site in intron 20 of the ATM gene. RNA analysis indicates that disruption of this splice site induces altered splicing and may result in an absent or altered protein product. This variant is present in population databases (rs750663117, gnomAD 0.003%). Disruption of this splice site has been observed in individual(s) with clinical features of ataxia-telangiectasia (PMID: 10234507). In at least one individual the data is consistent with being in trans (on the opposite chromosome) from a pathogenic variant. ClinVar contains an entry for this variant (Variation ID: 231277). Studies have shown that disruption of this splice site results in skipping of exon 21, and produces a non-functional protein and/or introduces a premature termination codon (PMID: 10234507; internal data). For these reasons, this variant has been classified as Pathogenic.

Natera, Inc.
Classification: Pathogenic for Ataxia-telangiectasia. Last evaluated: 2024-08-22. Review status: criteria provided, single submitter. Criteria: Natera Variant Classification Schema (03/2026). Collection method: clinical testing. Allele origin: germline. Not counted in ClinVar's aggregate classification.
Comment: The c.3078-1G>A variant in ATM is a canonical splice acceptor site variant predicted to affect pre-mRNA splicing, which may result in an abnormal transcript and altered protein product. This variant is expected to result in nonsense mediated decay, truncation, or a dysfunctional protein product. This variant is rare in the general population with a frequency below the threshold expected for the associated phenotype(s). This variant has been observed in one or more individuals affected with the associated recessive disease, as either homozygous or compound heterozygous with a second variant (PMID: 10234507). Given the available evidence, this variant is classified as Pathogenic.

GeneDx
Classification: Pathogenic. Last evaluated: 2024-05-08. Review status: criteria provided, single submitter. Criteria: GeneDx Variant Classification Process June 2021. Collection method: clinical testing. Allele origin: germline. Affected: yes. Not counted in ClinVar's aggregate classification.
Comment: Canonical splice site variant predicted to result in a null allele in a gene for which loss of function is a known mechanism of disease; Not observed at significant frequency in large population cohorts (gnomAD); This variant is associated with the following publications: (PMID: 27304073, 25525159, 31980526, 31447099, 33804961, 34887416, 29922827, 35365198, 28779002, 10234507, 32427313)

Baylor Genetics
Classification: Pathogenic for Familial cancer of breast. Last evaluated: 2024-02-09. Review status: criteria provided, single submitter. Criteria: ACMG Guidelines, 2015. Collection method: clinical testing. Allele origin: unknown. Not counted in ClinVar's aggregate classification.

Myriad Genetics, Inc.
Classification: Likely pathogenic for Familial cancer of breast. Last evaluated: 2024-01-18. Review status: criteria provided, single submitter. Criteria: Myriad Autosomal Dominant, Autosomal Recessive and X-Linked Classification Criteria (2023). Collection method: clinical testing. Allele origin: unknown. Not counted in ClinVar's aggregate classification.
Comment: This variant is considered likely pathogenic. This variant occurs within a consensus splice junction and is predicted to result in abnormal mRNA splicing of either an out-of-frame exon or an in-frame exon necessary for protein stability and/or normal function.

Color Diagnostics, LLC DBA Color Health
Classification: Likely pathogenic for Hereditary cancer-predisposing syndrome. Last evaluated: 2024-01-16. Review status: criteria provided, single submitter. Criteria: ACMG Guidelines, 2015. Collection method: clinical testing. Allele origin: germline. Not counted in ClinVar's aggregate classification.
Comment: This variant causes a G to A nucleotide substitution at the -1 position of intron 20 of the ATM gene. Splice site prediction tools predict that this variant may have a significant impact on RNA splicing. A study using carrier-derived RNA has shown that this variant leads to the skipping of exon 21 (also known as exon 23 in the literature), creating a premature translation stop signal in the RNA transcript (PMID: 10234507). The aberrant transcript is expected to result in an absent or non-functional protein product. This variant has been reported in the compound heterozygous state with an additional pathogenic ATM variant in an individual affected with ataxia telangiectasia (PMID: 10234507). This variant has been identified in 2/251084 chromosomes in the general population by the Genome Aggregation Database (gnomAD). Loss of ATM function is a known mechanism of disease. Based on the available evidence, this variant is classified as Likely Pathogenic.

Ambry Genetics
Classification: Pathogenic for Hereditary cancer-predisposing syndrome. Last evaluated: 2023-10-24. Review status: criteria provided, single submitter. Criteria: Ambry Variant Classification Scheme 2023. Collection method: clinical testing. Allele origin: germline. Not counted in ClinVar's aggregate classification.
Comment: The c.3078-1G>A intronic pathogenic mutation results from a G to A one nucleotide upstream from coding exon 20 of the ATM gene. In addition, sequencing of cDNA for this individual identified coding exon 20 skipping, deleting 76 nucleotides, resulting in a frameshift (Izatt L, et al. Eur. J. Hum. Genet. 1999 Apr; 7(3):310-20). In silico splice site analysis predicts that this alteration will weaken the native splice acceptor site. RNA studies have demonstrated that this alteration results in abnormal splicing in the set of samples tested (Ambry internal data). Alterations that disrupt the canonical splice site are expected to cause aberrant splicing, resulting in an abnormal protein or a transcript that is subject to nonsense-mediated mRNA decay. As such, this alteration is classified as a disease-causing mutation.

Counsyl
Classification: Likely pathogenic for Ataxia-telangiectasia syndrome. Last evaluated: 2016-03-31. Review status: no assertion criteria provided. Collection method: clinical testing. Allele origin: unknown. Not counted in ClinVar's aggregate classification.

Literature cited by the submitters: PubMed 10234507 (cited by 5 submitters); PubMed 25525159 (cited by Counsyl).